The following is an entry in ClinVar:

NM_000638.4(VTN):c.736G>A (p.Gly246Ser)

Gene: VTN (vitronectin; minus strand). Cytogenetic location: 17q11.2.
Variant type: single nucleotide variant.
Coding change: c.736G>A on transcript NM_000638.4 (MANE Select); coding-DNA position 736, G replaced by A.
Protein change: p.Gly246Ser; replaces glycine 246 with serine.
Molecular consequence: missense variant.
Genome position (GRCh38, 1-based): chr17:28,368,962, C>T on the plus strand (G>A on the coding strand, the complement: VTN is on the minus strand). VCF-style: chr17-28368962-C-T. GRCh37 (hg19) VCF-style: chr17-26695983-C-T.
Other names: short protein forms G246S.
Identifiers: ClinVar variation 4854984 (VCV004854984.1).

ClinVar aggregate classification (germline): Uncertain significance (1 of 4 stars; one submission).

Conditions:
VTN-related disorder. Also called: VTN-related condition.

gnomAD v4.1: 6 of 1,604,116 alleles (0.00037%); highest among the groups gnomAD compares: Non-Finnish European, 0.00051%; no homozygotes.

Submission:

3billion
Classification: Uncertain significance for VTN-related disorder. Last evaluated: 2025-12-08. Review status: criteria provided, single submitter. Criteria: ACMG Guidelines, 2015. Collection method: clinical testing. Allele origin: germline. Affected: yes.
Comment: The variant is observed at an extremely low frequency in the gnomAD v4.1.0 dataset (total allele frequency: <0.001%). Predicted Consequence/Location: Missense variant In silico tool predictions suggest no damaging effect of the variant on gene or gene product [REVEL: 0.39 (<0.4); 3Cnet: 0.06 (<0.1, specificity 0.84 and negative predicitive value 0.97)]. Therefore, this variant is classified as VUS according to the recommendation of ACMG/AMP guideline.